The following is an entry in ClinVar:

ClinVar aggregate classification (germline): Uncertain significance (1 of 4 stars; one submission).

Conditions:
Hereditary breast ovarian cancer syndrome. Also called: Hereditary breast and/or ovarian cancer syndrome; BRCA1- and BRCA2-Associated Hereditary Breast and Ovarian Cancer; Hereditary breast and ovarian cancer syndrome; Hereditary breast and ovarian cancer; Hereditary breast and ovarian cancer syndrome (HBOC); Breast and ovarian cancer. Identifiers: Orphanet 145, MedGen C0677776, MeSH D061325, MONDO:0003582. Disease mechanism: loss of function.

Submission:

Labcorp Genetics (formerly Invitae), Labcorp
Classification: Uncertain significance for Hereditary breast ovarian cancer syndrome. Last evaluated: 2021-04-10. Review status: criteria provided, single submitter. Criteria: Invitae Variant Classification Sherloc (09022015). Collection method: clinical testing. Allele origin: germline.
Comment: In summary, the available evidence is currently insufficient to determine the role of this variant in disease. Therefore, it has been classified as a Variant of Uncertain Significance. Advanced modeling of protein sequence and biophysical properties (such as structural, functional, and spatial information, amino acid conservation, physicochemical variation, residue mobility, and thermodynamic stability) performed at Invitae indicates that this missense variant is not expected to disrupt BRCA2 protein function. This variant has not been reported in the literature in individuals with BRCA2-related conditions. This variant is not present in population databases (ExAC no frequency). This sequence change replaces alanine with threonine at codon 2682 of the BRCA2 protein (p.Ala2682Thr). The alanine residue is highly conserved and there is a small physicochemical difference between alanine and threonine.

NM_000059.4(BRCA2):c.8044G>A (p.Ala2682Thr)

Gene: BRCA2 (BRCA2 DNA repair associated; plus strand). Cytogenetic location: 13q13.1.
Variant type: single nucleotide variant.
Coding change: c.8044G>A on transcript NM_000059.4 (MANE Select); coding-DNA position 8044, G replaced by A.
Protein change: p.Ala2682Thr; replaces alanine 2682 with threonine.
Molecular consequence: missense variant.
Genome position (GRCh38, 1-based): chr13:32,363,246, G>A. VCF-style: chr13-32363246-G-A. GRCh37 (hg19) VCF-style: chr13-32937383-G-A.
Other names: short protein forms A2682T.
Identifiers: ClinVar variation 1420724 (VCV001420724.8), dbSNP rs2137580216, ClinGen allele CA387749028.
Genomic context (GRCh38, chr13:32,363,246, plus strand): 5'-ACGGAAATTGATAGAAGCAGAAGATCGGCTATAAAAAAGATAATGGAAAGGGATGACACA[G>A]CTGCAAAAACACTTGTTCTCTGTGTTTCTGACATAATTTCATTGAGCGCAAATATATCTG-3'
Protein context (NP_000050.3, residues 2672-2692): IKKIMERDDT[Ala2682Thr]AKTLVLCVSD